The following is an entry in ClinVar:

NM_001852.4(COL9A2):c.1636C>T (p.Arg546Trp)

Gene: COL9A2 (collagen type IX alpha 2 chain; minus strand). Cytogenetic location: 1p34.2.
Variant type: single nucleotide variant.
Coding change: c.1636C>T on transcript NM_001852.4 (MANE Select); coding-DNA position 1636, C replaced by T.
Protein change: p.Arg546Trp; replaces arginine 546 with tryptophan.
Molecular consequence: missense variant.
Genome position (GRCh38, 1-based): chr1:40,302,777, G>A on the plus strand (C>T on the coding strand, the complement: COL9A2 is on the minus strand). VCF-style: chr1-40302777-G-A. GRCh37 (hg19) VCF-style: chr1-40768449-G-A.
Other names: c.1636C>T (NM_001852.3); short protein forms R546W.
Identifiers: ClinVar variation 1371644 (VCV001371644.10), dbSNP rs772278003, ClinGen allele CA21041192.
Genomic context (GRCh38, chr1:40,302,777, plus strand): 5'-ACCCAGGGGGCCCAGGAGGTCCTGGAGGACCCATCATGCCCACCGCACCCAGGGCTTCCC[G>A]CTTGGCACTCACGGCGACCTCTGCCAGTTGCTCTGGAGGGAGGGAGGGAGGGAGGGAGAG-3'
Protein context (NP_001843.1, residues 536-556): QLAEVAVSAK[Arg546Trp]EALGAVGMMG

ClinVar aggregate classification (germline): Uncertain significance. Review status: criteria provided, multiple submitters, no conflicts (2 of 4 stars). 3 submissions from 3 submitters: Uncertain significance (3). Last evaluated 2024-05-14.

gnomAD v4.1: 11 of 1,546,362 alleles (0.00071%); highest among the groups gnomAD compares: African/African-American, 0.0027%; no homozygotes.

Submissions (3):

Blueprint Genetics
Classification: Uncertain significance. Last evaluated: 2024-05-14. Review status: criteria provided, single submitter. Criteria: ACMG Guidelines, 2015. Collection method: clinical testing. Allele origin: germline.

GeneDx
Classification: Uncertain significance. Last evaluated: 2024-03-19. Review status: criteria provided, single submitter. Criteria: GeneDx Variant Classification Process June 2021. Collection method: clinical testing. Allele origin: germline. Affected: yes.
Comment: Not observed at significant frequency in large population cohorts (gnomAD); In silico analysis supports that this missense variant has a deleterious effect on protein structure/function; Has not been previously published as pathogenic or benign to our knowledge

Labcorp Genetics (formerly Invitae), Labcorp
Classification: Uncertain significance. Last evaluated: 2022-03-31. Review status: criteria provided, single submitter. Criteria: Invitae Variant Classification Sherloc (09022015). Collection method: clinical testing. Allele origin: germline.
Comment: This variant has not been reported in the literature in individuals affected with COL9A2-related conditions. In summary, the available evidence is currently insufficient to determine the role of this variant in disease. Therefore, it has been classified as a Variant of Uncertain Significance. Algorithms developed to predict the effect of sequence changes on RNA splicing suggest that this variant may create or strengthen a splice site. Algorithms developed to predict the effect of missense changes on protein structure and function are either unavailable or do not agree on the potential impact of this missense change (SIFT: "Deleterious"; PolyPhen-2: "Probably Damaging"; Align-GVGD: "Class C0"). The frequency data for this variant in the population databases is considered unreliable, as metrics indicate poor data quality at this position in the gnomAD database. This sequence change replaces arginine, which is basic and polar, with tryptophan, which is neutral and slightly polar, at codon 546 of the COL9A2 protein (p.Arg546Trp).